The following is an entry in ClinVar:

ClinVar aggregate classification (germline): Likely benign. Review status: criteria provided, multiple submitters, no conflicts (2 of 4 stars). 3 submissions from 3 submitters: Likely benign (2). 1 of the submissions does not count toward it. Last evaluated 2025-12-16.

Conditions:
RAI1-related disorder. Also called: RAI1-related condition.

gnomAD v4.1: 66 of 1,613,248 alleles (0.0041%); highest among the groups gnomAD compares: Middle Eastern, 0.016%; no homozygotes.

Submissions (3):

Labcorp Genetics (formerly Invitae), Labcorp
Classification: Likely benign. Last evaluated: 2025-12-16. Review status: criteria provided, single submitter. Criteria: Invitae Variant Classification Sherloc (09022015). Collection method: clinical testing. Allele origin: germline.

CeGaT Center for Human Genetics Tuebingen
Classification: Likely benign. Last evaluated: 2025-11-01. Review status: criteria provided, single submitter. Criteria: CeGaT Center For Human Genetics Tuebingen Variant Classification Criteria Version 2. Collection method: clinical testing. Allele origin: germline. Affected: yes. Observed: 3 variant alleles.
Comment: RAI1: BP4, BP7

PreventionGenetics, part of Exact Sciences
Classification: Likely benign for RAI1-related condition. Last evaluated: 2020-10-19. Review status: no assertion criteria provided. Collection method: clinical testing. Allele origin: germline. Not counted in ClinVar's aggregate classification.
Comment: This variant is classified as likely benign based on ACMG/AMP sequence variant interpretation guidelines (Richards et al. 2015 PMID: 25741868, with internal and published modifications).

NM_030665.4(RAI1):c.5589C>G (p.Ala1863=)

Gene: RAI1 (retinoic acid induced 1; plus strand). Cytogenetic location: 17p11.2.
Variant type: single nucleotide variant.
Coding change: c.5589C>G on transcript NM_030665.4 (MANE Select); coding-DNA position 5589, C replaced by G.
Protein change: p.Ala1863=; no amino-acid change (alanine 1863 retained).
Molecular consequence: synonymous variant.
Genome position (GRCh38, 1-based): chr17:17,803,779, C>G. VCF-style: chr17-17803779-C-G. GRCh37 (hg19) VCF-style: chr17-17707093-C-G.
Other names: c.5589C>G (NM_030665.3).
Identifiers: ClinVar variation 2195443 (VCV002195443.29), dbSNP rs111696458, ClinGen allele CA8419220.